The following is an entry in ClinVar:

ClinVar aggregate classification (germline): Uncertain significance (1 of 4 stars; one submission).

Allele frequency attached by ClinVar (database versions not stated): TOPMed below 0.00001.
gnomAD v4.1: 1 of 1,613,970 alleles (0.000062%); highest among the groups gnomAD compares: Non-Finnish European, 0.000085%; no homozygotes.

Submission:

CeGaT Center for Human Genetics Tuebingen
Classification: Uncertain significance. Last evaluated: 2025-06-01. Review status: criteria provided, single submitter. Criteria: CeGaT Center For Human Genetics Tuebingen Variant Classification Criteria Version 2. Collection method: clinical testing. Allele origin: germline. Affected: yes. Observed: 2 variant alleles.
Comment: DNMT3A: PM1, PM2, PP2, PP3, BS2

NM_022552.5(DNMT3A):c.2629G>A (p.Val877Ile)

Gene: DNMT3A (DNA methyltransferase 3 alpha; minus strand). Cytogenetic location: 2p23.3.
Variant type: single nucleotide variant.
Coding change: c.2629G>A on transcript NM_022552.5 (MANE Select); coding-DNA position 2629, G replaced by A.
Protein change: p.Val877Ile; replaces valine 877 with isoleucine.
Molecular consequence: missense variant. On other transcripts: non-coding transcript variant (1).
Genome position (GRCh38, 1-based): chr2:25,234,389, C>T on the plus strand (G>A on the coding strand, the complement: DNMT3A is on the minus strand). VCF-style: chr2-25234389-C-T. GRCh37 (hg19) VCF-style: chr2-25457258-C-T.
Other names: c.2173G>A, p.Val725Ile (NM_001320893.1); c.1960G>A, p.Val654Ile (NM_001375819.1); c.2062G>A, p.Val688Ile (NM_153759.3); c.2629G>A, p.Val877Ile (NM_175629.2); short protein forms V654I, V688I, V725I, V877I.
Identifiers: ClinVar variation 2498805 (VCV002498805.28), dbSNP rs1673107556, ClinGen allele CA346068211.